The following is an entry in ClinVar:

ClinVar aggregate classification (germline): Uncertain significance. Review status: criteria provided, multiple submitters, no conflicts (2 of 4 stars). 2 submissions from 2 submitters: Uncertain significance (2). Last evaluated 2025-10-23.

Conditions:
Inborn genetic diseases. Identifiers: MedGen C0950123, MeSH D030342.

Allele frequency attached by ClinVar (database versions not stated): gnomAD exomes below 0.00001.
gnomAD v4.1: 1 of 1,562,906 alleles (0.000064%); highest among the groups gnomAD compares: East Asian, 0.0024%; no homozygotes.

Submissions (2):

Ambry Genetics
Classification: Uncertain significance for Inborn genetic diseases. Last evaluated: 2025-10-23. Review status: criteria provided, single submitter. Criteria: Ambry Variant Classification Scheme 2023. Collection method: clinical testing. Allele origin: germline.

Labcorp Genetics (formerly Invitae), Labcorp
Classification: Uncertain significance. Last evaluated: 2022-06-08. Review status: criteria provided, single submitter. Criteria: Invitae Variant Classification Sherloc (09022015). Collection method: clinical testing. Allele origin: germline.
Comment: This sequence change replaces leucine, which is neutral and non-polar, with glutamine, which is neutral and polar, at codon 747 of the COL18A1 protein (p.Leu747Gln). This variant is not present in population databases (gnomAD no frequency). This variant has not been reported in the literature in individuals affected with COL18A1-related conditions. Experimental studies and prediction algorithms are not available or were not evaluated, and the functional significance of this variant is currently unknown. In summary, the available evidence is currently insufficient to determine the role of this variant in disease. Therefore, it has been classified as a Variant of Uncertain Significance.

NM_001379500.1(COL18A1):c.2240T>A (p.Leu747Gln)

Gene: COL18A1 (collagen type XVIII alpha 1 chain; plus strand). Cytogenetic location: 21q22.3.
Variant type: single nucleotide variant.
Coding change: c.2240T>A on transcript NM_001379500.1 (MANE Select); coding-DNA position 2240, T replaced by A.
Protein change: p.Leu747Gln; replaces leucine 747 with glutamine.
Molecular consequence: missense variant.
Genome position (GRCh38, 1-based): chr21:45,493,188, T>A. VCF-style: chr21-45493188-T-A. GRCh37 (hg19) VCF-style: chr21-46913102-T-A.
Other names: NM_130445.2:c.2240T>A; c.2780T>A, p.Leu927Gln (NM_030582.4); c.3485T>A, p.Leu1162Gln (NM_130444.3); short protein forms L747Q, L1162Q, L927Q.
Identifiers: ClinVar variation 1407950 (VCV001407950.4), dbSNP rs2036419358, ClinGen allele CA410497294.